The following is an entry in ClinVar:

NM_000138.5(FBN1):c.4620T>G (p.Pro1540=)

Gene: FBN1 (fibrillin 1; minus strand). Cytogenetic location: 15q21.1.
Variant type: single nucleotide variant.
Coding change: c.4620T>G on transcript NM_000138.5 (MANE Select); coding-DNA position 4620, T replaced by G.
Protein change: p.Pro1540=; no amino-acid change (proline 1540 retained).
Molecular consequence: synonymous variant.
Genome position (GRCh38, 1-based): chr15:48,468,065, A>C on the plus strand (T>G on the coding strand, the complement: FBN1 is on the minus strand). VCF-style: chr15-48468065-A-C. GRCh37 (hg19) VCF-style: chr15-48760262-A-C.
Other names: c.4620T>G, p.Pro1540= (NM_001406716.1).
Identifiers: ClinVar variation 1988942 (VCV001988942.5), dbSNP rs2505501933, ClinGen allele CA490027191.

ClinVar aggregate classification (germline): Likely benign. Review status: criteria provided, multiple submitters, no conflicts (2 of 4 stars). 2 submissions from 2 submitters: Likely benign (2). Last evaluated 2024-02-05.

Conditions:
Familial thoracic aortic aneurysm and aortic dissection (TAAD). Also called: Thoracic aortic aneurysms and dissections. Identifiers: Orphanet 91387, MedGen C4707243, MONDO:0019625.
Marfan syndrome (MFS). Also called: MARFAN SYNDROME, TYPE I; Marfan syndrome type 1; Marfan's syndrome; Marfan syndrome, classic; FBN1-Related Marfan Syndrome. Identifiers: Orphanet 284963, Orphanet 558, MedGen C0024796, MONDO:0007947, OMIM 154700.

Submissions (2):

All of Us Research Program, National Institutes of Health
Classification: Likely benign for Marfan syndrome. Last evaluated: 2024-02-05. Review status: criteria provided, single submitter. Criteria: ACMG Guidelines, 2015. Collection method: clinical testing. Allele origin: germline. Inheritance: Autosomal dominant inheritance. Observed: 1 variant allele, 1 heterozygote.
Comment: This study involves interpretation of variants in research participants for the purpose of population health screening. Participant phenotype was not available at the time of variant classification. Additional details can be found in publication PMID: 35346344, PMCID: PMC8962531

Labcorp Genetics (formerly Invitae), Labcorp
Classification: Likely benign for Marfan syndrome; Familial thoracic aortic aneurysm and aortic dissection. Last evaluated: 2022-10-13. Review status: criteria provided, single submitter. Criteria: Invitae Variant Classification Sherloc (09022015). Collection method: clinical testing. Allele origin: germline.